The following is an entry in ClinVar:

ClinVar aggregate classification (germline): Uncertain significance (1 of 4 stars; one submission).

Submission:

Labcorp Genetics (formerly Invitae), Labcorp
Classification: Uncertain significance. Last evaluated: 2025-12-03. Review status: criteria provided, single submitter. Criteria: Invitae Variant Classification Sherloc (09022015). Collection method: clinical testing. Allele origin: germline.
Comment: This sequence change replaces serine, which is neutral and polar, with cysteine, which is neutral and slightly polar, at codon 447 of the TAB2 protein (p.Ser447Cys). This variant is not present in population databases (gnomAD no frequency). This variant has not been reported in the literature in individuals affected with TAB2-related conditions. Invitae Evidence Modeling of protein sequence and biophysical properties (such as structural, functional, and spatial information, amino acid conservation, physicochemical variation, residue mobility, and thermodynamic stability) indicates that this missense variant is not expected to disrupt TAB2 protein function with a negative predictive value of 80%. In summary, the available evidence is currently insufficient to determine the role of this variant in disease. Therefore, it has been classified as a Variant of Uncertain Significance.

NM_001292034.3(TAB2):c.1340C>G (p.Ser447Cys)

Genes: TAB2 (TGF-beta activated kinase 1 (MAP3K7) binding protein 2; plus strand), LOC126859827 (BRD4-independent group 4 enhancer GRCh37_chr6:149699707-149700906; plus strand). Cytogenetic location: 6q25.1.
Variant type: single nucleotide variant.
Coding change: c.1340C>G on transcript NM_001292034.3 (MANE Select); coding-DNA position 1340, C replaced by G.
Protein change: p.Ser447Cys; replaces serine 447 with cysteine.
Molecular consequence: missense variant.
Genome position (GRCh38, 1-based): chr6:149,379,255, C>G. VCF-style: chr6-149379255-C-G. GRCh37 (hg19) VCF-style: chr6-149700391-C-G.
Other names: c.1244C>G, p.Ser415Cys (NM_001292035.3); c.1340C>G, p.Ser447Cys (NM_001369506.1, NM_015093.6); short protein forms S447C, S415C.
Identifiers: ClinVar variation 4694722 (VCV004694722.1).